The following is an entry in ClinVar:

ClinVar aggregate classification (germline): Uncertain significance (1 of 4 stars; one submission).

Submission:

Labcorp Genetics (formerly Invitae), Labcorp
Classification: Uncertain significance. Last evaluated: 2025-02-13. Review status: criteria provided, single submitter. Criteria: Invitae Variant Classification Sherloc (09022015). Collection method: clinical testing. Allele origin: germline.
Comment: This sequence change replaces arginine, which is basic and polar, with lysine, which is basic and polar, at codon 1602 of the MYH9 protein (p.Arg1602Lys). This variant is not present in population databases (gnomAD no frequency). This variant has not been reported in the literature in individuals affected with MYH9-related conditions. Invitae Evidence Modeling of protein sequence and biophysical properties (such as structural, functional, and spatial information, amino acid conservation, physicochemical variation, residue mobility, and thermodynamic stability) indicates that this missense variant is not expected to disrupt MYH9 protein function with a negative predictive value of 95%. In summary, the available evidence is currently insufficient to determine the role of this variant in disease. Therefore, it has been classified as a Variant of Uncertain Significance.

NM_002473.6(MYH9):c.4805G>A (p.Arg1602Lys)

Gene: MYH9 (myosin heavy chain 9; minus strand). Cytogenetic location: 22q12.3.
Variant type: single nucleotide variant.
Coding change: c.4805G>A on transcript NM_002473.6 (MANE Select); coding-DNA position 4805, G replaced by A.
Protein change: p.Arg1602Lys; replaces arginine 1602 with lysine.
Molecular consequence: missense variant.
Genome position (GRCh38, 1-based): chr22:36,288,379, C>T on the plus strand (G>A on the coding strand, the complement: MYH9 is on the minus strand). VCF-style: chr22-36288379-C-T. GRCh37 (hg19) VCF-style: chr22-36684425-C-T.
Other names: short protein forms R1602K.
Identifiers: ClinVar variation 4766421 (VCV004766421.1).